The following is an entry in ClinVar:

NM_004995.4(MMP14):c.434G>A (p.Arg145His)

Gene: MMP14 (matrix metallopeptidase 14; plus strand). Cytogenetic location: 14q11.2.
Variant type: single nucleotide variant.
Coding change: c.434G>A on transcript NM_004995.4 (MANE Select); coding-DNA position 434, G replaced by A.
Protein change: p.Arg145His; replaces arginine 145 with histidine.
Molecular consequence: missense variant.
Genome position (GRCh38, 1-based): chr14:22,842,463, G>A. VCF-style: chr14-22842463-G-A. GRCh37 (hg19) VCF-style: chr14-23311672-G-A.
Other names: short protein forms R145H.
Identifiers: ClinVar variation 1907151 (VCV001907151.5), dbSNP rs954541590, ClinGen allele CA257745423.
Genomic context (GRCh38, chr14:22,842,463, plus strand): 5'-ACCTCAGCATCCAGAATTACACCCCCAAGGTGGGCGAGTATGCCACATACGAGGCCATTC[G>A]CAAGGCGTTCCGCGTGTGGGAGAGTGCCACACCACTGCGCTTCCGCGAGGTGCCCTATGC-3'
Protein context (NP_004986.1, residues 135-155): VGEYATYEAI[Arg145His]KAFRVWESAT

ClinVar aggregate classification (germline): Uncertain significance (1 of 4 stars; one submission).

Allele frequency attached by ClinVar (database versions not stated): TOPMed 0.00001.
gnomAD v4.1: 44 of 1,614,046 alleles (0.0027%); highest among the groups gnomAD compares: East Asian, 0.051%; no homozygotes.

Submission:

Labcorp Genetics (formerly Invitae), Labcorp
Classification: Uncertain significance. Last evaluated: 2025-03-20. Review status: criteria provided, single submitter. Criteria: Invitae Variant Classification Sherloc (09022015). Collection method: clinical testing. Allele origin: germline.
Comment: This sequence change replaces arginine, which is basic and polar, with histidine, which is basic and polar, at codon 145 of the MMP14 protein (p.Arg145His). This variant is present in population databases (no rsID available, gnomAD 0.003%). This variant has not been reported in the literature in individuals affected with MMP14-related conditions. ClinVar contains an entry for this variant (Variation ID: 1907151). Invitae Evidence Modeling of protein sequence and biophysical properties (such as structural, functional, and spatial information, amino acid conservation, physicochemical variation, residue mobility, and thermodynamic stability) indicates that this missense variant is not expected to disrupt MMP14 protein function with a negative predictive value of 80%. In summary, the available evidence is currently insufficient to determine the role of this variant in disease. Therefore, it has been classified as a Variant of Uncertain Significance.